The following is an entry in ClinVar:

NM_001378778.1(MPDZ):c.5847_5848insTC (p.Val1950fs)

Gene: MPDZ (multiple PDZ domain crumbs cell polarity complex component; minus strand). Cytogenetic location: 9p23.
Variant type: Insertion.
Coding change: c.5847_5848insTC on transcript NM_001378778.1 (MANE Select); coding-DNA positions 5847 to 5848, TC inserted.
Protein change: p.Val1950fs; shifts the reading frame from valine 1950.
Molecular consequence: frameshift variant.
Genome position: GRCh38 VCF-style: chr9-13110046-C-CGA. GRCh37 (hg19) VCF-style: chr9-13110045-C-CGA.
Other names: c.5748_5749insTC, p.Val1917fs (NM_001261406.2, NM_001375416.1, NM_001375417.1 and 1 more transcripts); c.5661_5662insTC, p.Val1888fs (NM_001261407.2, NM_001375419.1); c.5847_5848insTC, p.Val1950fs (NM_001330637.2); c.5946_5947insTC, p.Val1983fs (NM_001375413.1); c.5637_5638insTC, p.Val1880fs (NM_001375420.1, NM_001375421.1, NM_001375422.1 and 2 more transcripts); c.5550_5551insTC, p.Val1851fs (NM_001375425.1, NM_001375426.1); c.5439_5440insTC, p.Val1814fs (NM_001375427.1); c.5760_5761insTC, p.Val1921fs (NM_003829.5); short protein forms V1814fs, V1983fs, V1851fs, V1880fs, V1921fs, V1950fs, V1888fs, V1917fs.
Identifiers: ClinVar variation 4730598 (VCV004730598.1).

ClinVar aggregate classification (germline): Pathogenic (1 of 4 stars; one submission).

Submission:

Labcorp Genetics (formerly Invitae), Labcorp
Classification: Pathogenic. Last evaluated: 2025-11-05. Review status: criteria provided, single submitter. Criteria: Invitae Variant Classification Sherloc (09022015). Collection method: clinical testing. Allele origin: germline.
Comment: This sequence change creates a premature translational stop signal (p.Val1921Serfs*2) in the MPDZ gene. It is expected to result in an absent or disrupted protein product. Loss-of-function variants in MPDZ are known to be pathogenic (PMID: 23240096, 28556411). This variant is not present in population databases (gnomAD no frequency). This variant has not been reported in the literature in individuals affected with MPDZ-related conditions. For these reasons, this variant has been classified as Pathogenic.

Literature cited by the submitters: PubMed 23240096; PubMed 28556411.